The following is an entry in ClinVar:

NM_000122.2(ERCC3):c.1631G>A (p.Cys544Tyr)

Gene: ERCC3 (ERCC excision repair 3, TFIIH core complex helicase subunit; minus strand). Cytogenetic location: 2q14.3.
Variant type: single nucleotide variant.
Coding change: c.1631G>A on transcript NM_000122.2 (MANE Select); coding-DNA position 1631, G replaced by A.
Protein change: p.Cys544Tyr; replaces cysteine 544 with tyrosine.
Molecular consequence: missense variant.
Genome position (GRCh38, 1-based): chr2:127,279,272, C>T on the plus strand (G>A on the coding strand, the complement: ERCC3 is on the minus strand). VCF-style: chr2-127279272-C-T. GRCh37 (hg19) VCF-style: chr2-128036848-C-T.
Other names: c.1439G>A, p.Cys480Tyr (NM_001303416.2, NM_001303418.2); short protein forms C480Y, C544Y.
Identifiers: ClinVar variation 2125772 (VCV002125772.3), dbSNP rs1001657401, ClinGen allele CA348388504.

ClinVar aggregate classification (germline): Uncertain significance (1 of 4 stars; one submission).

Allele frequency attached by ClinVar (database versions not stated): gnomAD exomes 0.00002.
gnomAD v4.1: 16 of 1,613,752 alleles (0.00099%); highest among the groups gnomAD compares: Non-Finnish European, 0.0014%; no homozygotes.

Submission:

Labcorp Genetics (formerly Invitae), Labcorp
Classification: Uncertain significance. Last evaluated: 2024-11-05. Review status: criteria provided, single submitter. Criteria: Invitae Variant Classification Sherloc (09022015). Collection method: clinical testing. Allele origin: germline.
Comment: This sequence change replaces cysteine, which is neutral and slightly polar, with tyrosine, which is neutral and polar, at codon 544 of the ERCC3 protein (p.Cys544Tyr). This variant is present in population databases (no rsID available, gnomAD 0.0009%). This variant has not been reported in the literature in individuals affected with ERCC3-related conditions. ClinVar contains an entry for this variant (Variation ID: 2125772). Invitae Evidence Modeling of protein sequence and biophysical properties (such as structural, functional, and spatial information, amino acid conservation, physicochemical variation, residue mobility, and thermodynamic stability) indicates that this missense variant is expected to disrupt ERCC3 protein function with a positive predictive value of 80%. In summary, the available evidence is currently insufficient to determine the role of this variant in disease. Therefore, it has been classified as a Variant of Uncertain Significance.